The following is an entry in ClinVar:

NM_000053.4(ATP7B):c.914G>A (p.Cys305Tyr)

Gene: ATP7B (ATPase copper transporting beta; minus strand). Cytogenetic location: 13q14.3.
Variant type: single nucleotide variant.
Coding change: c.914G>A on transcript NM_000053.4 (MANE Select); coding-DNA position 914, G replaced by A.
Protein change: p.Cys305Tyr; replaces cysteine 305 with tyrosine.
Molecular consequence: missense variant. On other transcripts: intron variant (2).
Genome position (GRCh38, 1-based): chr13:51,974,306, C>T on the plus strand (G>A on the coding strand, the complement: ATP7B is on the minus strand). VCF-style: chr13-51974306-C-T. GRCh37 (hg19) VCF-style: chr13-52548442-C-T.
Other names: p.Cys305Tyr; c.914G>A, p.Cys305Tyr (NM_001005918.3, NM_001330578.2, NM_001330579.2 and 29 more transcripts); c.818G>A, p.Cys273Tyr (NM_001406517.1, NM_001406518.1, NM_001406530.1 and 3 more transcripts); c.802+112G>A (NM_001243182.2); c.706+112G>A (NM_001406539.1); short protein forms C273Y, C305Y.
Identifiers: ClinVar variation 2683236 (VCV002683236.2), dbSNP rs1215443336, ClinGen allele CA388040417.
Genomic context (GRCh38, chr13:51,974,306, plus strand): 5'-ACTTTAAAATTCCCAGGTGGAAGTGCCTCGATAGCCCTCTGCAGAGCCACTGGGCTGGTA[C>T]AAGAAGGGTCATACTTTACTTGGGCAGTTTTGTTCTCCAAGGACACTTGAATACTTTGAA-3'
Protein context (NP_000044.2, residues 295-315): KTAQVKYDPS[Cys305Tyr]TSPVALQRAI

ClinVar aggregate classification (germline): Uncertain significance. Review status: criteria provided, multiple submitters, no conflicts (2 of 4 stars). 2 submissions from 2 submitters: Uncertain significance (2). Last evaluated 2025-06-26.

Allele frequency attached by ClinVar (database versions not stated): gnomAD 0.00001; TOPMed 0.00002.
gnomAD v4.1: 10 of 1,614,004 alleles (0.00062%); highest among the groups gnomAD compares: Non-Finnish European, 0.00076%; no homozygotes.

Submissions (2):

Women's Health and Genetics/Laboratory Corporation of America, LabCorp
Classification: Uncertain significance. Last evaluated: 2025-06-26. Review status: criteria provided, single submitter. Criteria: LabCorp Variant Classification Summary - May 2015. Collection method: clinical testing. Allele origin: germline.

Mayo Clinic Laboratories, Mayo Clinic
Classification: Uncertain significance. Last evaluated: 2022-10-25. Review status: criteria provided, single submitter. Criteria: ACMG Guidelines, 2015. Collection method: clinical testing. Allele origin: germline. Observed: 1 variant allele.
Comment: BP4, PM2